The following is an entry in ClinVar:

NM_000368.5(TSC1):c.3199_3211delinsGCCAGCATCCCCACCACTGTGGG (p.Met1067fs)

Gene: TSC1 (TSC complex subunit 1; minus strand). Cytogenetic location: 9q34.13.
Variant type: Indel.
Coding change: c.3199_3211delinsGCCAGCATCCCCACCACTGTGGG on transcript NM_000368.5 (MANE Select); coding-DNA positions 3199 to 3211, ATGGGAGAAGCGT replaced by GCCAGCATCCCCACCACTGTGGG.
Protein change: p.Met1067fs; shifts the reading frame from methionine 1067.
Molecular consequence: frameshift variant. On other transcripts: non-coding transcript variant (5).
Genome position (GRCh38, 1-based): chr9:132,896,519-132,896,531, ACGCTTCTCCCAT replaced by CCCACAGTGGTGGGGATGCTGGC on the plus strand (ATGGGAGAAGCGT replaced by GCCAGCATCCCCACCACTGTGGG on the coding strand, the reverse complement: TSC1 is on the minus strand). GRCh37 (hg19): chr9:135,771,906-135,771,918.
Other names: c.3001_3013delinsGCCAGCATCCCCACCACTGTGGG, p.Met1001fs (NM_001406613.1); c.2836_2848delinsGCCAGCATCCCCACCACTGTGGG, p.Met946fs (NM_001406614.1, NM_001406615.1, NM_001406616.1 and 4 more transcripts); c.2833_2845delinsGCCAGCATCCCCACCACTGTGGG, p.Met945fs (NM_001406620.1, NM_001406621.1, NM_001406622.1 and 1 more transcripts); c.2794_2806delinsGCCAGCATCCCCACCACTGTGGG, p.Met932fs (NM_001406624.1); c.2791_2803delinsGCCAGCATCCCCACCACTGTGGG, p.Met931fs (NM_001406625.1); c.2248_2260delinsGCCAGCATCCCCACCACTGTGGG, p.Met750fs (NM_001406626.1); c.2245_2257delinsGCCAGCATCCCCACCACTGTGGG, p.Met749fs (NM_001406627.1, NM_001406628.1); c.2146_2158delinsGCCAGCATCCCCACCACTGTGGG, p.Met716fs (NM_001406629.1, NM_001406630.1); and 8 more; short protein forms M1001fs, M1015fs, M1016fs, M1052fs, M1053fs, M1061fs, M1062fs, M1066fs.
Identifiers: ClinVar variation 3027387 (VCV003027387.22), dbSNP rs2538442709, ClinGen allele CA2740092861.
Genomic context (GRCh38, chr9:132,896,519, plus strand): 5'-TCATACCCAGGAAGCTTTTTGAACTGGGAAGTGAGCCCACAGTGGTGGGGATGCTGGCAG[ACGCTTCTCCCAT>CCCACAGTGGTGGGGATGCTGGC]AGTCGTCTCCCACCGACTGCTGAATGGGCCTGCCCTCTGGTGTGGGGGTTTCTCTGGGGT-3'

ClinVar aggregate classification (germline): Uncertain significance (1 of 4 stars; one submission).

Submission:

CeGaT Center for Human Genetics Tuebingen
Classification: Uncertain significance. Last evaluated: 2024-02-01. Review status: criteria provided, single submitter. Criteria: CeGaT Center For Human Genetics Tuebingen Variant Classification Criteria Version 2. Collection method: clinical testing. Allele origin: germline. Affected: yes. Observed: 1 variant allele.
Comment: TSC1: PM2, PVS1:Moderate